The following is an entry in ClinVar:

Single allele

Gene: SPINT4 (serine peptidase inhibitor, Kunitz type 4; plus strand). Cytogenetic location: 20q13.12.
Variant type: Deletion.
Identifiers: ClinVar variation 157464 (VCV000157464.2).

ClinVar aggregate classification (germline): not provided (0 of 4 stars; one submission).

Conditions:
Gestational diabetes mellitus uncontrolled. Identifiers: MedGen C3532257.

Submission:

Institute of Molecular and Cell Biology, University of Tartu
No classification provided. Condition: Gestational diabetes mellitus uncontrolled. Review status: no classification provided. Collection method: case-control. Allele origin: unknown. Affected: yes. Study: Kasak2014.
Comment: The study aimed to determine the contribution of copy number variants in the genetic etiology of normal and complicated pregnancies. The samples represented (i) maternal blood DNA drawn from healthy pregnant women during 1st or 2nd trimester and (ii) maternal and paternal blood DNA drawn at term pregnancy cases representing normal and complicated gestations (severe preeclampsia, PE; gestational diabetes, GD; small-for-gestational age newborn, SGA; large-for-gestational age newborn, LGA). We performed CNV calling based on genome-wide genotyping dataset (Illumina HumanOmniExpress-24-v1 BeadChip) by applying three algorithms, QuantiSNP, GADA (Genome Alteration Detection Algorithm) and CNstream in parallel. The acquired CNV calls were merged with HD-CNV (Hotspot Detector for Copy Number Variants) program and only the CNVs predicted by at least two programs, were considered in subsequent analysis.

Literature cited by the submitters: PubMed 25666259.